The following is an entry in ClinVar:

NM_005236.3(ERCC4):c.484A>G (p.Lys162Glu)

Gene: ERCC4 (ERCC excision repair 4, endonuclease catalytic subunit; plus strand). Cytogenetic location: 16p13.12.
Variant type: single nucleotide variant.
Coding change: c.484A>G on transcript NM_005236.3 (MANE Select); coding-DNA position 484, A replaced by G.
Protein change: p.Lys162Glu; replaces lysine 162 with glutamic acid.
Molecular consequence: missense variant.
Genome position (GRCh38, 1-based): chr16:13,926,656, A>G. VCF-style: chr16-13926656-A-G. GRCh37 (hg19) VCF-style: chr16-14020513-A-G.
Other names: short protein forms K162E.
Identifiers: ClinVar variation 949722 (VCV000949722.9), dbSNP rs2032078220, ClinGen allele CA394801420.
Genomic context (GRCh38, chr16:13,926,656, plus strand): 5'-TCTTGTCAAGAAGCATTCATCTTGCGCCTCTTTCGCCAGAAAAACAAACGTGGTTTTATT[A>G]AAGCTTTCACAGACAATGCTGTTGCCTTTGATACTGGTTTTTGTCATGTGGAAAGAGTGA-3'
Protein context (NP_005227.1, residues 152-172): FRQKNKRGFI[Lys162Glu]AFTDNAVAFD

ClinVar aggregate classification (germline): Uncertain significance (1 of 4 stars; one submission).

Conditions:
Xeroderma pigmentosum, group F (XPF). Also called: XERODERMA PIGMENTOSUM, COMPLEMENTATION GROUP F; XERODERMA PIGMENTOSUM VI; XP, GROUP F; ERCC4-Related Xeroderma Pigmentosum; XERODERMA PIGMENTOSUM, TYPE F; Xeroderma pigmentosum, type 6. Identifiers: MedGen C0268140, MONDO:0010215, OMIM 278760.
Fanconi anemia complementation group Q. Identifiers: Orphanet 84, MedGen C3808988, MONDO:0014108, OMIM 615272.
Cockayne syndrome. Identifiers: Orphanet 191, MedGen C0009207, MONDO:0016006.

Submission:

Labcorp Genetics (formerly Invitae), Labcorp
Classification: Uncertain significance for Fanconi anemia complementation group Q; Xeroderma pigmentosum, group F; Cockayne syndrome. Last evaluated: 2019-07-05. Review status: criteria provided, single submitter. Criteria: Invitae Variant Classification Sherloc (09022015). Collection method: clinical testing. Allele origin: germline.
Comment: In summary, the available evidence is currently insufficient to determine the role of this variant in disease. Therefore, it has been classified as a Variant of Uncertain Significance. Algorithms developed to predict the effect of missense changes on protein structure and function are either unavailable or do not agree on the potential impact of this missense change (SIFT: "Deleterious"; PolyPhen-2: "Probably Damaging"; Align-GVGD: "Class C15"). This variant has not been reported in the literature in individuals with ERCC4-related conditions. This variant is not present in population databases (ExAC no frequency). This sequence change replaces lysine with glutamic acid at codon 162 of the ERCC4 protein (p.Lys162Glu). The lysine residue is highly conserved and there is a small physicochemical difference between lysine and glutamic acid.